The following is an entry in ClinVar:

NM_000465.4(BARD1):c.-6G>A

Gene: BARD1 (BRCA1 associated RING domain 1; minus strand). Cytogenetic location: 2q35.
Variant type: single nucleotide variant.
Coding change: c.-6G>A on transcript NM_000465.4 (MANE Select); 6 bases upstream of the start codon, G replaced by A.
Molecular consequence: 5 prime UTR variant. On other transcripts: non-coding transcript variant (3).
Genome position (GRCh38, 1-based): chr2:214,809,575, C>T on the plus strand (G>A on the coding strand, the complement: BARD1 is on the minus strand). VCF-style: chr2-214809575-C-T. GRCh37 (hg19) VCF-style: chr2-215674299-C-T.
Other names: c.-6G>A (NM_001282543.2, NM_001282545.2, NM_001282548.2 and 1 more transcripts).
Identifiers: ClinVar variation 1330080 (VCV001330080.2), dbSNP rs767753791, ClinGen allele CA764564301.

ClinVar aggregate classification (germline): Uncertain significance (1 of 4 stars; one submission).

Allele frequency attached by ClinVar (database versions not stated): gnomAD exomes below 0.00001.
gnomAD v4.1: 1 of 1,542,714 alleles (0.000065%); highest among the groups gnomAD compares: Non-Finnish European, 0.000087%; no homozygotes.

Submission:

Quest Diagnostics Nichols Institute San Juan Capistrano
Classification: Uncertain significance. Last evaluated: 2023-04-23. Review status: criteria provided, single submitter. Criteria: Quest Diagnostics criteria. Collection method: clinical testing. Allele origin: unknown.
Comment: To the best of our knowledge, the variant has not been reported in the published literature. It also has not been reported in large, multi-ethnic general populations. Based on the available information, we are unable to determine the clinical significance of this variant.